The following is an entry in ClinVar:

NM_000091.5(COL4A3):c.2402G>A (p.Gly801Glu)

Genes: COL4A3 (collagen type IV alpha 3 chain; plus strand), MFF-DT (MFF divergent transcript; minus strand). Cytogenetic location: 2q36.3.
Variant type: single nucleotide variant.
Coding change: c.2402G>A on transcript NM_000091.5 (MANE Select); coding-DNA position 2402, G replaced by A.
Protein change: p.Gly801Glu; replaces glycine 801 with glutamic acid.
Molecular consequence: missense variant.
Genome position (GRCh38, 1-based): chr2:227,280,920, G>A. VCF-style: chr2-227280920-G-A. GRCh37 (hg19) VCF-style: chr2-228145636-G-A.
Other names: short protein forms G801E.
Identifiers: ClinVar variation 4531838 (VCV004531838.1).
Genomic context (GRCh38, chr2:227,280,920, plus strand): 5'-CACCTGGGTATATACTTGTGCTTTCTTTTGCAGGAGATCCAGGGCAGCCTGGACCACCTG[G>A]AGAACAAGGACCCCCAGGAAGGTGCATAGAGGGTCCCAGGGGAGCCCAAGGACTTCCAGG-3'
Protein context (NP_000082.2, residues 791-811): RGDPGQPGPP[Gly801Glu]EQGPPGRCIE

ClinVar aggregate classification (germline): Likely pathogenic (1 of 4 stars; one submission).

Conditions:
Alport syndrome. Also called: Hemorrhagic familial nephritis; Hemorrhagic hereditary nephritis; Congenital hereditary hematuria. Identifiers: Orphanet 63, MedGen C1567741, MONDO:0018965.

Submission:

Victorian Clinical Genetics Services, Murdoch Childrens Research Institute
Classification: Likely pathogenic for Alport syndrome. Last evaluated: 2025-08-19. Review status: criteria provided, single submitter. Criteria: ACMG Guidelines, 2015. Collection method: clinical testing. Allele origin: germline. Affected: yes.
Comment: This variant is classified as Likely pathogenic. Evidence in support of pathogenic classification: Variant is absent from gnomAD (v2, v3 and v4); Another missense variant comparable to the one identified in this case has moderate previous evidence for pathogenicity. p.(Gly801Arg) has been classified as likely pathogenic by a clinical laboratory in ClinVar, and reported in the literature in at least one heterozygous individual with autosomal dominant Alport syndrome (PMID: 36013122); Variant is located in the well-established functional Gly-X-Y motif in the collagen triple helical domain (DECIPHER); Missense variant predicted to be damaging by in silico tool(s) or highly conserved with a major amino acid change. Additional information: Variant is predicted to result in a missense amino acid change from Gly to Glu; This variant is heterozygous; This gene is associated with both recessive and dominant Alport syndrome (MONDO:0018965), COL4A3-related; Alternative amino acid change(s) at the same position are present in gnomAD (Highest allele count: v4: 1 heterozygote(s), 0 homozygote(s)); Previous evidence of pathogenicity for this variant is inconclusive. This variant is present in the 1000 Genomes Project database in one individual with haematuria and one individual without haematuria (PMID: 34400539); No published evidence of segregation with disease has been identified for this variant; No published functional evidence has been identified for this variant; Dominant negative and loss of function are known mechanisms of disease in this gene and are associated with Alport syndrome (MONDO:0018965), COL4A3-related. Glycine changes that are part of a G-X-Y repeat in the triple helix of a collagen domain are known to have a dominant negative effect (PMID: 12028435); Inheritance information for this variant is not currently available in this individual.

Literature cited by the submitters: PubMed 36013122; PubMed 12028435; PubMed 34400539.